The following is an entry in ClinVar:

NM_000218.3(KCNQ1):c.412A>C (p.Ile138Leu)

Gene: KCNQ1 (potassium voltage-gated channel subfamily Q member 1; plus strand). Cytogenetic location: 11p15.5.
Variant type: single nucleotide variant.
Coding change: c.412A>C on transcript NM_000218.3 (MANE Select); coding-DNA position 412, A replaced by C.
Protein change: p.Ile138Leu; replaces isoleucine 138 with leucine.
Molecular consequence: missense variant.
Genome position (GRCh38, 1-based): chr11:2,527,953, A>C. VCF-style: chr11-2527953-A-C. GRCh37 (hg19) VCF-style: chr11-2549183-A-C.
Other names: c.412A>C, p.Ile138Leu (NM_001406836.1, NM_001406838.1); c.142A>C, p.Ile48Leu (NM_001406837.1); c.31A>C, p.Ile11Leu (NM_181798.2); short protein forms I138L, I48L, I11L.
Identifiers: ClinVar variation 4709528 (VCV004709528.1).

ClinVar aggregate classification (germline): Uncertain significance (1 of 4 stars; one submission).

Conditions:
Long QT syndrome (LQTS). Identifiers: MedGen C0023976, MeSH D008133, MONDO:0002442. Disease mechanism: loss of function. Inheritance: Various modes of inheritance.

Submission:

Labcorp Genetics (formerly Invitae), Labcorp
Classification: Uncertain significance for Long QT syndrome. Last evaluated: 2025-08-01. Review status: criteria provided, single submitter. Criteria: Invitae Variant Classification Sherloc (09022015). Collection method: clinical testing. Allele origin: germline.
Comment: This sequence change replaces isoleucine, which is neutral and non-polar, with leucine, which is neutral and non-polar, at codon 138 of the KCNQ1 protein (p.Ile138Leu). This variant is not present in population databases (gnomAD no frequency). This variant has not been reported in the literature in individuals affected with KCNQ1-related conditions. Invitae Evidence Modeling of protein sequence and biophysical properties (such as structural, functional, and spatial information, amino acid conservation, physicochemical variation, residue mobility, and thermodynamic stability) has been performed for this missense variant. However, the output from this modeling did not meet the statistical confidence thresholds required to predict the impact of this variant on KCNQ1 protein function. In summary, the available evidence is currently insufficient to determine the role of this variant in disease. Therefore, it has been classified as a Variant of Uncertain Significance.